The following is an entry in ClinVar:

ClinVar aggregate classification (germline): Benign/Likely benign. Review status: criteria provided, multiple submitters, no conflicts (2 of 4 stars). 3 submissions from 3 submitters: Benign (1); Likely benign (2). Last evaluated 2025-05-22.

Conditions:
Inborn genetic diseases. Identifiers: MedGen C0950123, MeSH D030342.

Allele frequency attached by ClinVar (database versions not stated): gnomAD 0.00001; ExAC 0.00002; TOPMed 0.00002; ESP Exome Variant Server 0.00008.
gnomAD v4.1: 48 of 1,608,094 alleles (0.003%); highest among the groups gnomAD compares: Middle Eastern, 0.049%; no homozygotes.

Submissions (3):

Labcorp Genetics (formerly Invitae), Labcorp
Classification: Likely benign. Last evaluated: 2025-05-22. Review status: criteria provided, single submitter. Criteria: Invitae Variant Classification Sherloc (09022015). Collection method: clinical testing. Allele origin: germline.

Women's Health and Genetics/Laboratory Corporation of America, LabCorp
Classification: Benign. Last evaluated: 2025-03-31. Review status: criteria provided, single submitter. Criteria: LabCorp Variant Classification Summary - May 2015. Collection method: clinical testing. Allele origin: germline.
Comment: Variant summary: SMAD2 c.544C>A results in a synonymous change. Consensus agreement among computation tools predict no significant impact on normal splicing. However, these predictions have yet to be confirmed by functional studies. The variant allele was found at a frequency of 3e-05 in 1608094 control chromosomes. The observed variant frequency is approximately 95 fold of the estimated maximal expected allele frequency for a pathogenic variant in SMAD2 causing Loeys-Dietz Syndrome phenotype (3.1e-07). To our knowledge, no occurrence of c.544C>A in individuals affected with Loeys-Dietz Syndrome and no experimental evidence demonstrating its impact on protein function have been reported. ClinVar contains an entry for this variant (Variation ID: 1641358). Based on the evidence outlined above, the variant was classified as benign.

Ambry Genetics
Classification: Likely benign for Inborn genetic diseases. Last evaluated: 2020-03-17. Review status: criteria provided, single submitter. Criteria: Ambry Variant Classification Scheme 2023. Collection method: clinical testing. Allele origin: germline.

NM_005901.6(SMAD2):c.544C>A (p.Arg182=)

Gene: SMAD2 (SMAD family member 2; minus strand). Cytogenetic location: 18q21.1.
Variant type: single nucleotide variant.
Coding change: c.544C>A on transcript NM_005901.6 (MANE Select); coding-DNA position 544, C replaced by A.
Protein change: p.Arg182=; no amino-acid change (arginine 182 retained).
Molecular consequence: synonymous variant.
Genome position (GRCh38, 1-based): chr18:47,868,434, G>T on the plus strand (C>A on the coding strand, the complement: SMAD2 is on the minus strand). VCF-style: chr18-47868434-G-T. GRCh37 (hg19) VCF-style: chr18-45394805-G-T.
Other names: c.544C>A, p.Arg182= (NM_001003652.4); c.454C>A, p.Arg152= (NM_001135937.3).
Identifiers: ClinVar variation 1641358 (VCV001641358.11), dbSNP rs370352616, ClinGen allele CA8956235.
Genomic context (GRCh38, chr18:47,868,434, plus strand): 5'-CTGGAATGGAGTGAGTATAGTCATCCAGAGGCGGAAGTTCTGTTAGGATCTCGGTGTGTC[G>T]GGGCACTAATACTGGAGGCAAAACTGAAAAAGTTCAAGAAATCCAAGTTAATGGCAAAGA-3'
Protein context (NP_005892.1, residues 172-192): TPVLPPVLVP[Arg182=]HTEILTELPP